The following is an entry in ClinVar:

NM_145861.4(EDARADD):c.148G>A (p.Glu50Lys)

Gene: EDARADD (EDAR associated via death domain; plus strand). Cytogenetic location: 1q43.
Variant type: single nucleotide variant.
Coding change: c.148G>A on transcript NM_145861.4 (MANE Select); coding-DNA position 148, G replaced by A.
Protein change: p.Glu50Lys; replaces glutamic acid 50 with lysine.
Molecular consequence: missense variant.
Genome position (GRCh38, 1-based): chr1:236,414,287, G>A. VCF-style: chr1-236414287-G-A. GRCh37 (hg19) VCF-style: chr1-236577587-G-A.
Other names: c.82G>A, p.Glu28Lys (NM_001422628.1); c.118G>A, p.Glu40Lys (NM_080738.5); short protein forms E40K, E50K, E28K.
Identifiers: ClinVar variation 1723797 (VCV001723797.2), dbSNP rs1486308538, ClinGen allele CA345653538.
Genomic context (GRCh38, chr1:236,414,287, plus strand): 5'-AAAATAATTCTCCTCTTTTGTTGGTTTCTACAGTCAGACAAATATCCCATTCAAGATACG[G>A]AACTCCCTAAAGGTATGTACAGTTAAAATAACTACTTGAACATGTGATTATTTTAATATT-3'
Protein context (NP_665860.2, residues 40-60): MSDKYPIQDT[Glu50Lys]LPKAEECDTI

ClinVar aggregate classification (germline): Uncertain significance (1 of 4 stars; one submission).

Allele frequency attached by ClinVar (database versions not stated): gnomAD exomes below 0.00001; gnomAD 0.00001; TOPMed 0.00002.
gnomAD v4.1: 2 of 1,610,618 alleles (0.00012%); highest among the groups gnomAD compares: African/African-American, 0.0013%; no homozygotes.

Submission:

GeneDx
Classification: Uncertain significance. Last evaluated: 2022-05-09. Review status: criteria provided, single submitter. Criteria: GeneDx Variant Classification Process June 2021. Collection method: clinical testing. Allele origin: germline. Affected: yes.
Comment: Not observed at significant frequency in large population cohorts (gnomAD); In silico analysis supports that this missense variant does not alter protein structure/function; Has not been previously published as pathogenic or benign to our knowledge